The following is an entry in ClinVar:

ClinVar aggregate classification (germline): Benign (3 of 4 stars; one submission).

Conditions:
Lynch syndrome. Identifiers: Orphanet 144, MedGen C4552100, MONDO:0005835. Disease mechanism: loss of function.

Allele frequency attached by ClinVar (database versions not stated): gnomAD 0.23606 and 0.23877; TOPMed 0.23092; 1000 Genomes Project 0.23203; ExAC 0.22118; 1000 Genomes Project 30x 0.23485; ESP Exome Variant Server 0.24150.
gnomAD v4.1: 344,582 of 1,611,438 alleles (21%); highest among the groups gnomAD compares: African/African-American, 32%; 38,291 homozygotes.

Submission:

International Society for Gastrointestinal Hereditary Tumours (InSiGHT)
Classification: Benign for Lynch Syndrome. Last evaluated: 2013-09-05. Review status: reviewed by expert panel. Criteria: Guidelines v1.9. Collection method: research. Allele origin: germline.
Comment: MAF >1%

Classified with v1.9 guidelines
ClinVar note: Converted during submission from no known pathogenicity to Benign.

NM_000535.5(PMS2):c.-323G>T

Genes: AIMP2 (aminoacyl tRNA synthetase complex interacting multifunctional protein 2; plus strand), PMS2 (PMS1 homolog 2, mismatch repair system component; minus strand). Cytogenetic location: 7p22.1.
Variant type: single nucleotide variant.
Coding change: c.-323G>T on transcript NM_000535.5; 323 bases upstream of the start codon, G replaced by T.
Molecular consequence: 5 prime UTR variant (on NM_006303.4).
Genome position (GRCh38, 1-based): chr7:6,009,342, C>A on the plus strand (G>T on the coding strand, the complement: PMS2 is on the minus strand). VCF-style: chr7-6009342-C-A. GRCh37 (hg19) VCF-style: chr7-6048973-C-A.
Other names: c.-22C>A (NM_001326606.2, NM_001326607.2, NM_006303.4); c.-342C>A (NM_001326609.2); c.-287C>A (NM_001326610.2); c.-274C>A (NM_001326611.3).
Identifiers: ClinVar variation 91284 (VCV000091284.5), dbSNP rs1062372, ClinGen allele CA331728.